The following is an entry in ClinVar:

NM_000384.3(APOB):c.6949G>A (p.Val2317Ile)

Gene: APOB (apolipoprotein B; minus strand). Cytogenetic location: 2p24.1.
Variant type: single nucleotide variant.
Coding change: c.6949G>A on transcript NM_000384.3 (MANE Select); coding-DNA position 6949, G replaced by A.
Protein change: p.Val2317Ile; replaces valine 2317 with isoleucine.
Molecular consequence: missense variant.
Genome position (GRCh38, 1-based): chr2:21,009,919, C>T on the plus strand (G>A on the coding strand, the complement: APOB is on the minus strand). VCF-style: chr2-21009919-C-T. GRCh37 (hg19) VCF-style: chr2-21232791-C-T.
Other names: short protein forms V2317I.
Identifiers: ClinVar variation 3416161 (VCV003416161.1).
Genomic context (GRCh38, chr2:21,009,919, plus strand): 5'-AGGCATTGATTTTCTCAGCTACTTCAAAATCCCCAATAAGATTTATAACAAAGTGTTTGA[C>T]ATGCTCAAGAATGTCATTTATTCTTTCAAATGAAATTGTAGTTCCCAATTGATCTAAAAG-3'
Protein context (NP_000375.3, residues 2307-2327): FERINDILEH[Val2317Ile]KHFVINLIGD

ClinVar aggregate classification (germline): Uncertain significance (1 of 4 stars; one submission).

Conditions:
Cardiovascular phenotype. Identifiers: MedGen CN230736.

gnomAD v4.1: 1 of 1,613,974 alleles (0.000062%); no homozygotes.

Submission:

Ambry Genetics
Classification: Uncertain significance for Cardiovascular phenotype. Last evaluated: 2024-10-07. Review status: criteria provided, single submitter. Criteria: Ambry Variant Classification Scheme 2023. Collection method: clinical testing. Allele origin: germline.
Comment: The p.V2317I variant (also known as c.6949G>A), located in coding exon 26 of the APOB gene, results from a G to A substitution at nucleotide position 6949. The valine at codon 2317 is replaced by isoleucine, an amino acid with highly similar properties. This amino acid position is conserved. In addition, this alteration is predicted to be tolerated by in silico analysis. Based on the available evidence, the clinical significance of this variant remains unclear.